The following is an entry in ClinVar:

ClinVar aggregate classification (germline): Uncertain significance (1 of 4 stars; one submission).

Conditions:
Inborn genetic diseases. Identifiers: MedGen C0950123, MeSH D030342.

gnomAD v4.1: 1 of 1,609,366 alleles (0.000062%); highest among the groups gnomAD compares: African/African-American, 0.0013%; no homozygotes.

Submission:

Ambry Genetics
Classification: Uncertain significance for Inborn genetic diseases. Last evaluated: 2025-01-05. Review status: criteria provided, single submitter. Criteria: Ambry Variant Classification Scheme 2023. Collection method: clinical testing. Allele origin: germline.
Comment: The p.L1341H variant (also known as c.4022T>A), located in coding exon 14 of the FANCM gene, results from a T to A substitution at nucleotide position 4022. The leucine at codon 1341 is replaced by histidine, an amino acid with similar properties. This amino acid position is conserved. In addition, the in silico prediction for this alteration is inconclusive. Based on the available evidence, the clinical significance of this variant remains unclear.

NM_020937.4(FANCM):c.4022T>A (p.Leu1341His)

Gene: FANCM (FA complementation group M; plus strand). Cytogenetic location: 14q21.2.
Variant type: single nucleotide variant.
Coding change: c.4022T>A on transcript NM_020937.4 (MANE Select); coding-DNA position 4022, T replaced by A.
Protein change: p.Leu1341His; replaces leucine 1341 with histidine.
Molecular consequence: missense variant.
Genome position (GRCh38, 1-based): chr14:45,176,776, T>A. VCF-style: chr14-45176776-T-A. GRCh37 (hg19) VCF-style: chr14-45645979-T-A.
Other names: c.3944T>A, p.Leu1315His (NM_001308133.2); short protein forms L1315H, L1341H.
Identifiers: ClinVar variation 3848586 (VCV003848586.1).
Genomic context (GRCh38, chr14:45,176,776, plus strand): 5'-TATCTCCTGGTTATTCTCAGTTTTCTTTACCAGTGCAAAAAAAAGTTATGAGTACACCAC[T>A]CTCTAAATCAAACACATTGAACTCATTTTCTAAGATAAGAAAGGAAATACTTAAGACACC-3'
Protein context (NP_065988.1, residues 1331-1351): PVQKKVMSTP[Leu1341His]SKSNTLNSFS